The following is an entry in ClinVar:

NM_001130438.3(SPTAN1):c.6762+152TC[4]

Gene: SPTAN1 (spectrin alpha, non-erythrocytic 1; plus strand). Cytogenetic location: 9q34.11.
Variant type: Microsatellite.
Coding change: c.6762+152TC[4] on transcript NM_001130438.3 (MANE Select); four copies in a row of the 2-base unit TC starting at c.6762+152.
Molecular consequence: intron variant.
Genome position: GRCh38 VCF-style: chr9-128630526-ATC-A. GRCh37 (hg19) VCF-style: chr9-131392805-ATC-A.
Other names: c.6861+152TC[4] (NM_001375318.1); c.6798+152TC[4] (NM_001375312.2); c.6762+152TC[4] (NM_001375311.2); c.6702+152TC[4] (NM_001375314.2, NM_001363765.2); c.6849+152TC[4] (NM_001375310.1); c.6825+152TC[4] (NM_001363759.2); c.6744+152TC[4] (NM_001375313.1); c.6747+152TC[4] (NM_003127.4); and 1 more.
Identifiers: ClinVar variation 1700927 (VCV001700927.2), dbSNP rs34039280, ClinGen allele CA200410761.

ClinVar aggregate classification (germline): Likely benign (1 of 4 stars; one submission).

Submission:

GeneDx
Classification: Likely benign. Last evaluated: 2022-02-08. Review status: criteria provided, single submitter. Criteria: GeneDx Variant Classification Process June 2021. Collection method: clinical testing. Allele origin: germline. Affected: yes.
Comment: See Variant Classification Assertion Criteria.